The following is an entry in ClinVar:

ClinVar aggregate classification (germline): Likely benign (1 of 4 stars; one submission).

Conditions:
Cystic fibrosis (CF). Also called: MUCOVISCIDOSIS. Identifiers: Orphanet 586, MedGen C0010674, MONDO:0009061, OMIM 219700. Disease mechanism: loss of function.

Submission:

Johns Hopkins Genomics, Johns Hopkins University
Classification: Likely benign for Cystic fibrosis. Last evaluated: 2024-04-10. Review status: criteria provided, single submitter. Criteria: ACMG Guidelines, 2015. Collection method: clinical testing. Allele origin: germline.
Comment: PP4, BP4, BP7

NM_000492.4(CFTR):c.3469-3527del

Genes: CFTR (CF transmembrane conductance regulator; plus strand), CFTR-AS2 (CFTR antisense RNA 2; minus strand), LOC113633876 (CFTR intron 18b DNase I hypersensitive site; plus strand). Cytogenetic location: 7q31.2.
Variant type: Deletion.
Coding change: c.3469-3527del on transcript NM_000492.4 (MANE Select); 3527 bases into the intron before coding-DNA position 3469, one base deleted (C; older notation c.3469-3527delC).
Molecular consequence: intron variant.
Genome position (GRCh38, 1-based): chr7:117,623,995, C deleted. VCF-style (leftmost placement, unchanged base first): chr7-117623994-TC-T. GRCh37 (hg19) VCF-style: chr7-117264048-TC-T.
Identifiers: ClinVar variation 4280017 (VCV004280017.1).